The following is an entry in ClinVar:

ClinVar aggregate classification (germline): Uncertain significance (1 of 4 stars; one submission).

gnomAD v4.1: 1 of 1,598,324 alleles (0.000063%); highest among the groups gnomAD compares: Non-Finnish European, 0.000085%; no homozygotes.

Submission:

GeneDx
Classification: Uncertain significance. Last evaluated: 2019-09-24. Review status: criteria provided, single submitter. Criteria: GeneDx Variant Classification Process June 2021. Collection method: clinical testing. Allele origin: germline. Affected: yes.
Comment: Not observed in large population cohorts (Lek et al., 2016); In silico analysis, which includes protein predictors and evolutionary conservation, supports a deleterious effect; Has not been previously published as pathogenic or benign to our knowledge

NM_019109.5(ALG1):c.1234G>C (p.Asp412His)

Gene: ALG1 (ALG1 chitobiosyldiphosphodolichol beta-mannosyltransferase; plus strand). Cytogenetic location: 16p13.3.
Variant type: single nucleotide variant.
Coding change: c.1234G>C on transcript NM_019109.5 (MANE Select); coding-DNA position 1234, G replaced by C.
Protein change: p.Asp412His; replaces aspartic acid 412 with histidine.
Molecular consequence: missense variant.
Genome position (GRCh38, 1-based): chr16:5,083,728, G>C. VCF-style: chr16-5083728-G-C. GRCh37 (hg19) VCF-style: chr16-5133729-G-C.
Other names: c.901G>C, p.Asp301His (NM_001330504.2); short protein forms D301H, D412H.
Identifiers: ClinVar variation 1312250 (VCV001312250.2), dbSNP rs200353530, ClinGen allele CA394674685.